The following is an entry in ClinVar:

NM_001145475.3(FAM186A):c.4500C>G (p.Ala1500=)

Gene: FAM186A (family with sequence similarity 186 member A; minus strand). Cytogenetic location: 12q13.12.
Variant type: single nucleotide variant.
Coding change: c.4500C>G on transcript NM_001145475.3 (MANE Select); coding-DNA position 4500, C replaced by G.
Protein change: p.Ala1500=; no amino-acid change (alanine 1500 retained).
Molecular consequence: synonymous variant.
Genome position (GRCh38, 1-based): chr12:50,352,332, G>C on the plus strand (C>G on the coding strand, the complement: FAM186A is on the minus strand). VCF-style: chr12-50352332-G-C. GRCh37 (hg19) VCF-style: chr12-50746115-G-C.
Identifiers: ClinVar variation 2642985 (VCV002642985.24), dbSNP rs1158301462, ClinGen allele CA479769477.

ClinVar aggregate classification (germline): Likely benign (1 of 4 stars; one submission).

Submission:

CeGaT Center for Human Genetics Tuebingen
Classification: Likely benign. Last evaluated: 2022-11-01. Review status: criteria provided, single submitter. Criteria: CeGaT Center For Human Genetics Tuebingen Variant Classification Criteria Version 2. Collection method: clinical testing. Allele origin: germline. Affected: yes. Observed: 1 variant allele.
Comment: FAM186A: PM2:Supporting, BP4, BP7